The following is an entry in ClinVar:

ClinVar aggregate classification (germline): Uncertain significance (1 of 4 stars; one submission).

Conditions:
Juvenile polyposis syndrome (JPS). Identifiers: Orphanet 2929, MedGen C0345893, MONDO:0017380, OMIM 174900.

Submission:

Labcorp Genetics (formerly Invitae), Labcorp
Classification: Uncertain significance for Juvenile polyposis syndrome. Last evaluated: 2025-03-07. Review status: criteria provided, single submitter. Criteria: Invitae Variant Classification Sherloc (09022015). Collection method: clinical testing. Allele origin: germline.
Comment: This sequence change replaces glutamine, which is neutral and polar, with histidine, which is basic and polar, at codon 334 of the SMAD4 protein (p.Gln334His). This variant is not present in population databases (gnomAD no frequency). This variant has not been reported in the literature in individuals affected with SMAD4-related conditions. ClinVar contains an entry for this variant (Variation ID: 1510281). Invitae Evidence Modeling of protein sequence and biophysical properties (such as structural, functional, and spatial information, amino acid conservation, physicochemical variation, residue mobility, and thermodynamic stability) has been performed for this missense variant. However, the output from this modeling did not meet the statistical confidence thresholds required to predict the impact of this variant on SMAD4 protein function. In summary, the available evidence is currently insufficient to determine the role of this variant in disease. Therefore, it has been classified as a Variant of Uncertain Significance.

NM_005359.6(SMAD4):c.1002G>C (p.Gln334His)

Gene: SMAD4 (SMAD family member 4; plus strand). Cytogenetic location: 18q21.2.
Variant type: single nucleotide variant.
Coding change: c.1002G>C on transcript NM_005359.6 (MANE Select); coding-DNA position 1002, G replaced by C.
Protein change: p.Gln334His; replaces glutamine 334 with histidine.
Molecular consequence: missense variant.
Genome position (GRCh38, 1-based): chr18:51,065,469, G>C. VCF-style: chr18-51065469-G-C. GRCh37 (hg19) VCF-style: chr18-48591839-G-C.
Other names: short protein forms Q334H.
Identifiers: ClinVar variation 1510281 (VCV001510281.6), dbSNP rs773598775, ClinGen allele CA402464182.